The following is an entry in ClinVar:

ClinVar aggregate classification (germline): Uncertain significance. Review status: criteria provided, multiple submitters, no conflicts (2 of 4 stars). 2 submissions from 2 submitters: Uncertain significance (2). Last evaluated 2024-09-27.

Allele frequency attached by ClinVar (database versions not stated): gnomAD exomes 0.00001; ExAC 0.00002; TOPMed 0.00005; gnomAD 0.00006 and 0.00007; 1000 Genomes Project 0.00020; 1000 Genomes Project 30x 0.00047.
gnomAD v4.1: 20 of 1,613,858 alleles (0.0012%); highest among the groups gnomAD compares: East Asian, 0.018%; no homozygotes.

Submissions (2):

Blueprint Genetics
Classification: Uncertain significance. Last evaluated: 2024-09-27. Review status: criteria provided, single submitter. Criteria: ACMG Guidelines, 2015. Collection method: clinical testing. Allele origin: germline.

Labcorp Genetics (formerly Invitae), Labcorp
Classification: Uncertain significance. Last evaluated: 2022-07-06. Review status: criteria provided, single submitter. Criteria: Invitae Variant Classification Sherloc (09022015). Collection method: clinical testing. Allele origin: germline.
Comment: This sequence change replaces methionine, which is neutral and non-polar, with arginine, which is basic and polar, at codon 623 of the SLC24A1 protein (p.Met623Arg). This variant is present in population databases (rs185763221, gnomAD 0.008%). This variant has not been reported in the literature in individuals affected with SLC24A1-related conditions. ClinVar contains an entry for this variant (Variation ID: 1507445). Algorithms developed to predict the effect of missense changes on protein structure and function (SIFT, PolyPhen-2, Align-GVGD) all suggest that this variant is likely to be tolerated. Algorithms developed to predict the effect of sequence changes on RNA splicing suggest that this variant may create or strengthen a splice site. In summary, the available evidence is currently insufficient to determine the role of this variant in disease. Therefore, it has been classified as a Variant of Uncertain Significance.

NM_004727.3(SLC24A1):c.1868T>G (p.Met623Arg)

Gene: SLC24A1 (solute carrier family 24 member 1; plus strand). Cytogenetic location: 15q22.31.
Variant type: single nucleotide variant.
Coding change: c.1868T>G on transcript NM_004727.3 (MANE Select); coding-DNA position 1868, T replaced by G.
Protein change: p.Met623Arg; replaces methionine 623 with arginine.
Molecular consequence: missense variant.
Genome position (GRCh38, 1-based): chr15:65,625,948, T>G. VCF-style: chr15-65625948-T-G. GRCh37 (hg19) VCF-style: chr15-65918286-T-G.
Other names: c.1868T>G, p.Met623Arg (NM_001301031.1, NM_001301032.1, NM_001301033.2); short protein forms M623R.
Identifiers: ClinVar variation 1507445 (VCV001507445.6), dbSNP rs185763221, ClinGen allele CA7619984.